The following is an entry in ClinVar:

ClinVar aggregate classification (germline): Pathogenic/Likely pathogenic. Review status: criteria provided, multiple submitters, no conflicts (2 of 4 stars). 5 submissions from 5 submitters: Pathogenic (1); Likely pathogenic (4). Last evaluated 2025-09-22.

Conditions:
TTN-related disorder. Also called: TTN-related condition; TTN-related disease; TTN-related disorders.
Cardiovascular phenotype. Identifiers: MedGen CN230736.
Dilated cardiomyopathy 1G (CMD1G). Identifiers: Orphanet 154, MedGen C1858763, MONDO:0011400, OMIM 604145.
Autosomal recessive limb-girdle muscular dystrophy type 2J (LGMDR10). Also called: Limb-girdle muscular dystrophy, type 2J; MUSCULAR DYSTROPHY, LIMB-GIRDLE, AUTOSOMAL RECESSIVE 10. Identifiers: Orphanet 140922, MedGen C1837342, MONDO:0012127, OMIM 608807.

Submissions (5):

Labcorp Genetics (formerly Invitae), Labcorp
Classification: Likely pathogenic for Dilated cardiomyopathy 1G; Autosomal recessive limb-girdle muscular dystrophy type 2J. Last evaluated: 2025-09-22. Review status: criteria provided, single submitter. Criteria: Invitae Variant Classification Sherloc (09022015). Collection method: clinical testing. Allele origin: germline.
Comment: This sequence change creates a premature translational stop signal (p.Pro28547Glnfs*12) in the TTN gene. While this is not anticipated to result in nonsense mediated decay, it is expected to create a truncated TTN protein. This variant is present in population databases (rs762286447, gnomAD 0.005%). This premature translational stop signal has been observed in individual(s) with clinical features of autosomal dominant and autosomal recessive TTN-related conditions (PMID: 33726816, 35653365, 37273706). This variant is also known as p.Pro25979Glnfs*12. ClinVar contains an entry for this variant (Variation ID: 636561). This variant is located in the A band of TTN (PMID: 25589632). Truncating variants in this region are significantly overrepresented in patients affected with dilated cardiomyopathy (PMID: 25589632). Truncating variants in this region have also been reported in individuals affected with autosomal recessive centronuclear myopathy (PMID: 23975875). In summary, the currently available evidence indicates that the variant is pathogenic, but additional data are needed to prove that conclusively. Therefore, this variant has been classified as Likely Pathogenic.

Blueprint Genetics
Classification: Pathogenic for TTN-related disorders. Last evaluated: 2024-11-13. Review status: criteria provided, single submitter. Criteria: ACMG Guidelines, 2015. Collection method: clinical testing. Allele origin: germline. Affected: yes. Observed: 5 variant alleles.

Clinical Genetics Laboratory, Skane University Hospital Lund
Classification: Likely pathogenic. Last evaluated: 2023-05-03. Review status: criteria provided, single submitter. Criteria: ACMG Guidelines, 2015. Collection method: clinical testing. Allele origin: germline. Affected: yes.

Ambry Genetics
Classification: Likely pathogenic for Cardiovascular phenotype. Last evaluated: 2022-12-30. Review status: criteria provided, single submitter. Criteria: Ambry Variant Classification Scheme 2023. Collection method: clinical testing. Allele origin: germline.
Comment: The c.58445_58457del13 variant, located in coding exon 153 of the TTN gene, results from a deletion of 13 nucleotides at nucleotide positions 58445 to 58457, causing a translational frameshift with a predicted alternate stop codon (p.P19482Qfs*12). This exon is located in the A-band region of the N2-B isoform of the titin protein and is constitutively expressed in TTN transcripts (percent spliced in or PSI 100%). This variant (referred to as c.59021_59033del) has been detected in a dilated cardiomyopathy cohort (Haas J et al. Eur Heart J, 2015 May;36:1123-35a). This variant is considered to be rare based on population cohorts in the Genome Aggregation Database (gnomAD). This alteration is expected to result in loss of function by premature protein truncation or nonsense-mediated mRNA decay. While truncating variants in TTN are present in 1-3% of the general population, truncating variants in the A-band are the most common cause of dilated cardiomyopathy (DCM) (Herman DS et al. N. Engl. J. Med., 2012 Feb;366:619-28; Roberts AM et al. Sci Transl Med, 2015 Jan;7:270ra6). TTN truncating variants encoded in constitutive exons (PSI >90%) have been found to be significantly associated with DCM regardless of their position in titin (Schafer S et al. Nat. Genet., 2017 01;49:46-53). Based on the majority of available evidence to date, this variant is likely to be pathogenic.

Clinical Genetics and Genomics, Karolinska University Hospital
Classification: Likely pathogenic. Last evaluated: 2017-12-04. Review status: criteria provided, single submitter. Criteria: ACMG Guidelines, 2015. Collection method: clinical testing. Allele origin: germline. Affected: yes. Observed: 1 variant allele.

Literature cited by the submitters: PubMed 33726816 (cited by Labcorp Genetics (formerly Invitae), Labcorp); PubMed 35653365 (cited by Labcorp Genetics (formerly Invitae), Labcorp); PubMed 37273706 (cited by Labcorp Genetics (formerly Invitae), Labcorp); PubMed 25589632 (cited by Labcorp Genetics (formerly Invitae), Labcorp); PubMed 23975875 (cited by Labcorp Genetics (formerly Invitae), Labcorp); PubMed 25163546 (cited by Ambry Genetics).

NM_001267550.2(TTN):c.85640_85652del (p.Pro28547fs)

Genes: TTN (titin; minus strand), TTN-AS1 (TTN antisense RNA 1; plus strand). Cytogenetic location: 2q31.2.
Variant type: Deletion.
Coding change: c.85640_85652del on transcript NM_001267550.2 (MANE Select); coding-DNA positions 85640 to 85652, 13 bases deleted (CATTTACAGTTCC).
Protein change: p.Pro28547fs; shifts the reading frame from proline 28547.
Molecular consequence: frameshift variant.
Genome position (GRCh38, 1-based): chr2:178,560,480-178,560,492, GGAACTGTAAATG deleted on the plus strand (CATTTACAGTTCC on the coding strand, the reverse complement: TTN is on the minus strand); deleting any 13 consecutive bases within chr2:178,560,480-178,560,493 gives the same sequence; the c. name uses the placement nearest the transcript's 3' end. VCF-style (leftmost placement, unchanged base first): chr2-178560479-TGGAACTGTAAATG-T. GRCh37 (hg19) VCF-style: chr2-179425206-TGGAACTGTAAATG-T.
Other names: c.58445_58457del13 (NM_003319.4); c.85640_85652del (LRG_391t1); c.80717_80729del, p.Pro26906fs (NM_001256850.1); c.58445_58457del, p.Pro19482fs (NM_003319.4); c.77936_77948del, p.Pro25979fs (NM_133378.4); c.58820_58832del, p.Pro19607fs (NM_133432.3); c.59021_59033del, p.Pro19674fs (NM_133437.4); short protein forms P26906fs, P19482fs, P28547fs, P19674fs, P25979fs, P19607fs.
Identifiers: ClinVar variation 636561 (VCV000636561.9), dbSNP rs762286447, ClinGen allele CA1988607.